The following is an entry in ClinVar:

ClinVar aggregate classification (germline): Uncertain significance. Review status: criteria provided, multiple submitters, no conflicts (2 of 4 stars). 2 submissions from 2 submitters: Uncertain significance (2). Last evaluated 2026-04-28.

Conditions:
Hereditary cancer-predisposing syndrome. Also called: Hereditary neoplastic syndrome; Tumor predisposition; Hereditary Cancer Syndrome; Neoplastic Syndromes, Hereditary. Identifiers: Orphanet 140162, MedGen C0027672, MeSH D009386, MONDO:0015356.
Rhabdoid tumor predisposition syndrome 2 (RTPS2). Identifiers: Orphanet 231108, Orphanet 69077, MedGen C2750074, MONDO:0013224, OMIM 613325.

Submissions (2):

Ambry Genetics
Classification: Uncertain significance for Hereditary cancer-predisposing syndrome. Last evaluated: 2026-04-28. Review status: criteria provided, single submitter. Criteria: Ambry Variant Classification Scheme 2023. Collection method: clinical testing. Allele origin: germline.
Comment: The p.I352V variant (also known as c.1054A>G), located in coding exon 5 of the SMARCA4 gene, results from an A to G substitution at nucleotide position 1054. The isoleucine at codon 352 is replaced by valine, an amino acid with highly similar properties. This amino acid position is conserved. In addition, the in silico prediction for this alteration is inconclusive. Based on the available evidence, the clinical significance of this variant remains unclear.

Labcorp Genetics (formerly Invitae), Labcorp
Classification: Uncertain significance for Rhabdoid tumor predisposition syndrome 2. Last evaluated: 2025-02-06. Review status: criteria provided, single submitter. Criteria: Invitae Variant Classification Sherloc (09022015). Collection method: clinical testing. Allele origin: germline.
Comment: This sequence change replaces isoleucine, which is neutral and non-polar, with valine, which is neutral and non-polar, at codon 352 of the SMARCA4 protein (p.Ile352Val). This variant is not present in population databases (gnomAD no frequency). This variant has not been reported in the literature in individuals affected with SMARCA4-related conditions. Invitae Evidence Modeling of protein sequence and biophysical properties (such as structural, functional, and spatial information, amino acid conservation, physicochemical variation, residue mobility, and thermodynamic stability) indicates that this missense variant is not expected to disrupt SMARCA4 protein function with a negative predictive value of 95%. In summary, the available evidence is currently insufficient to determine the role of this variant in disease. Therefore, it has been classified as a Variant of Uncertain Significance.

NM_003072.5(SMARCA4):c.1054A>G (p.Ile352Val)

Gene: SMARCA4 (SWI/SNF related BAF chromatin remodeling complex subunit ATPase 4; plus strand). Cytogenetic location: 19p13.2.
Variant type: single nucleotide variant.
Coding change: c.1054A>G on transcript NM_003072.5 (MANE Select); coding-DNA position 1054, A replaced by G.
Protein change: p.Ile352Val; replaces isoleucine 352 with valine.
Molecular consequence: missense variant. On other transcripts: non-coding transcript variant (1).
Genome position (GRCh38, 1-based): chr19:10,987,860, A>G. VCF-style: chr19-10987860-A-G. GRCh37 (hg19) VCF-style: chr19-11098536-A-G.
Other names: c.1054A>G (NM_001128849.1); c.1054A>G, p.Ile352Val (NM_001387283.1, NM_001411150.1, NM_001128844.3 and 6 more transcripts); short protein forms I352V.
Identifiers: ClinVar variation 3675928 (VCV003675928.3).